The following is an entry in ClinVar:

ClinVar aggregate classification (germline): Pathogenic/Likely pathogenic. Review status: criteria provided, multiple submitters, no conflicts (2 of 4 stars). 2 submissions from 2 submitters: Pathogenic (1); Likely pathogenic (1). Last evaluated 2025-06-25.

Conditions:
Familial adenomatous polyposis 1 (FAP1). Also called: FAMILIAL ADENOMATOUS POLYPOSIS 1, ATTENUATED; POLYPOSIS, ADENOMATOUS INTESTINAL. Identifiers: MedGen C2713442, MONDO:0021056, OMIM 175100. Disease mechanism: loss of function.
Hereditary cancer-predisposing syndrome. Also called: Hereditary neoplastic syndrome; Tumor predisposition; Hereditary Cancer Syndrome; Neoplastic Syndromes, Hereditary. Identifiers: Orphanet 140162, MedGen C0027672, MeSH D009386, MONDO:0015356.

Allele frequency attached by ClinVar (database versions not stated): gnomAD exomes below 0.00001.
gnomAD v4.1: 1 of 1,614,162 alleles (0.000062%); highest among the groups gnomAD compares: Non-Finnish European, 0.000085%; no homozygotes.

Submissions (2):

GeneKor MSA
Classification: Likely pathogenic for Hereditary cancer-predisposing syndrome. Last evaluated: 2025-06-25. Review status: criteria provided, single submitter. Criteria: ACMG Guidelines, 2015. Collection method: clinical testing. Allele origin: germline.
Comment: This variant is a single base substitution at nucleotide position 298 of the APC gene, replacing Glutamic Acid with a termination stop signal at codon 100. This results in the production of a truncated, non-functional protein. Truncating variants in APC are known to be pathogenic (PMID:17963004, 20685668). This variant has not been described in population databases (gnomaD no frequency). ClinVar contains entries for this variant (VCV002583907.2) and it has been reported in patients with colon cancer (PMID:28002797). Based on the classification criteria set by the ACMG and AMP (PMID:25741868) this variant has been classified as likely pathogenic.

Myriad Genetics, Inc.
Classification: Pathogenic for Familial adenomatous polyposis 1. Last evaluated: 2023-04-25. Review status: criteria provided, single submitter. Criteria: Myriad Autosomal Dominant, Autosomal Recessive and X-Linked Classification Criteria (2023). Collection method: clinical testing. Allele origin: unknown.
Comment: This variant is considered pathogenic. This variant creates a termination codon and is predicted to result in premature protein truncation.

Literature cited by the submitters: PubMed 17963004 (cited by GeneKor MSA); PubMed 20685668 (cited by GeneKor MSA); PubMed 28002797 (cited by GeneKor MSA).

NM_000038.6(APC):c.298G>T (p.Glu100Ter)

Gene: APC (APC regulator of Wnt signaling pathway; plus strand). Cytogenetic location: 5q22.2.
Variant type: single nucleotide variant.
Coding change: c.298G>T on transcript NM_000038.6 (MANE Select); coding-DNA position 298, G replaced by T.
Protein change: p.Glu100Ter; replaces glutamic acid 100 with a stop codon.
Molecular consequence: nonsense. On other transcripts: 5 prime UTR variant (4), non-coding transcript variant (2).
Genome position (GRCh38, 1-based): chr5:112,767,266, G>T. VCF-style: chr5-112767266-G-T. GRCh37 (hg19) VCF-style: chr5-112102963-G-T.
Other names: c.298G>T, p.Glu100Ter (NM_001127510.3, NM_001354895.2, NM_001354896.2 and 16 more transcripts); c.328G>T, p.Glu110Ter (NM_001127511.3, NM_001354897.2, NM_001354902.2 and 1 more transcripts); c.223G>T, p.Glu75Ter (NM_001354898.2, NM_001354904.2, NM_001407451.1); c.121G>T, p.Glu41Ter (NM_001354900.2, NM_001354901.2, NM_001354905.2 and 1 more transcripts); c.-738G>T (NM_001354906.2, NM_001407470.1, NM_001407471.1 and 1 more transcripts); short protein forms E100*, E110*, E41*, E75*.
Identifiers: ClinVar variation 2583907 (VCV002583907.3), dbSNP rs1561464319, ClinGen allele CA16021980.